The following is an entry in ClinVar:

NM_001353788.2(APBA2):c.687C>T (p.Ile229=)

Gene: APBA2 (amyloid beta precursor protein binding family A member 2; plus strand). Cytogenetic location: 15q13.1.
Variant type: single nucleotide variant.
Coding change: c.687C>T on transcript NM_001353788.2 (MANE Select); coding-DNA position 687, C replaced by T.
Protein change: p.Ile229=; no amino-acid change (isoleucine 229 retained).
Molecular consequence: synonymous variant.
Genome position (GRCh38, 1-based): chr15:29,054,571, C>T. VCF-style: chr15-29054571-C-T. GRCh37 (hg19) VCF-style: chr15-29346774-C-T.
Other names: c.687C>T, p.Ile229= (NM_001130414.1, NM_001353789.2, NM_001353790.2 and 7 more transcripts).
Identifiers: ClinVar variation 3045439 (VCV003045439.2), dbSNP rs143079268, ClinGen allele CA7445167.
Genomic context (GRCh38, chr15:29,054,571, plus strand): 5'-CTACCGCCTGAGGCGTGGGGATGGGGACCTGGAGGACCAGGAGGAGGACATTGACCAGAT[C>T]GTGGCAGAGATCAAGATGAGTCTGAGCATGACCAGCATCACCAGCGCCAGTGAGGCCAGC-3'
Protein context (NP_001340717.1, residues 219-239): LEDQEEDIDQ[Ile229=]VAEIKMSLSM

ClinVar aggregate classification (germline): Likely benign (0 of 4 stars; one submission).

Conditions:
APBA2-related disorder. Also called: APBA2-related condition.

Allele frequency attached by ClinVar (database versions not stated): ExAC 0.00022; ESP Exome Variant Server 0.00038.
gnomAD v4.1: 313 of 1,613,812 alleles (0.019%); highest among the groups gnomAD compares: Non-Finnish European, 0.023%; 1 homozygote.

Submission:

PreventionGenetics, part of Exact Sciences
Classification: Likely benign for APBA2-related condition. Last evaluated: 2019-10-30. Review status: no assertion criteria provided. Collection method: clinical testing. Allele origin: germline.
Comment: This variant is classified as likely benign based on ACMG/AMP sequence variant interpretation guidelines (Richards et al. 2015 PMID: 25741868, with internal and published modifications).